The following is an entry in ClinVar:

ClinVar aggregate classification (germline): Conflicting classifications of pathogenicity. Review status: criteria provided, conflicting classifications (1 of 4 stars). 10 submissions from 10 submitters: Uncertain significance (1); Likely benign (5). 4 of the submissions do not count toward it. Last evaluated 2026-07-01.

Conditions:
VPS13A-related disorder. Also called: VPS13A-related condition.
VPS13A-related neurodegenerative disease. Also called: Chorea-acanthocytosis; VPS13A Disease; Choreaacanthocytosis; ACANTHOCYTOSIS WITH NEUROLOGIC DISORDER; LEVINE-CRITCHLEY SYNDROME; Choreoacanthocytosis. Identifiers: Orphanet 2388, MedGen C0393576, MONDO:0008695, OMIM 200150.

Allele frequency attached by ClinVar (database versions not stated): gnomAD exomes 0.00148 and 0.00166; ExAC 0.00152; ESP Exome Variant Server 0.00169; gnomAD 0.00172 and 0.00178; 1000 Genomes Project 0.00180; 1000 Genomes Project 30x 0.00187; TOPMed 0.00197.
gnomAD v4.1: 2,693 of 1,604,392 alleles (0.17%); highest among the groups gnomAD compares: Admixed American, 0.3%; 3 homozygotes.

Submissions (10):

CeGaT Center for Human Genetics Tuebingen
Classification: Likely benign. Last evaluated: 2026-07-01. Review status: criteria provided, single submitter. Criteria: CeGaT Center For Human Genetics Tuebingen Variant Classification Criteria Version 2. Collection method: clinical testing. Allele origin: germline. Affected: yes. Observed: 4 variant alleles.
Comment: VPS13A: BS2

Labcorp Genetics (formerly Invitae), Labcorp
Classification: Likely benign. Last evaluated: 2026-01-28. Review status: criteria provided, single submitter. Criteria: Invitae Variant Classification Sherloc (09022015). Collection method: clinical testing. Allele origin: germline.

Blueprint Genetics
Classification: Likely benign. Last evaluated: 2024-11-04. Review status: criteria provided, single submitter. Criteria: ACMG Guidelines, 2015. Collection method: clinical testing. Allele origin: germline.

GeneDx
Classification: Likely benign. Last evaluated: 2020-12-22. Review status: criteria provided, single submitter. Criteria: GeneDx Variant Classification Process June 2021. Collection method: clinical testing. Allele origin: germline. Affected: yes.

Athena Diagnostics
Classification: Likely benign. Last evaluated: 2018-12-31. Review status: criteria provided, single submitter. Criteria: Athena Diagnostics Criteria. Collection method: clinical testing. Allele origin: germline.

Illumina Laboratory Services, Illumina
Classification: Uncertain significance for VPS13A-related neurodegenerative disease. Last evaluated: 2018-01-12. Review status: criteria provided, single submitter. Criteria: ICSL Variant Classification Criteria 13 December 2019. Collection method: clinical testing. Allele origin: germline.

PreventionGenetics, part of Exact Sciences
Classification: Likely benign for VPS13A-related condition. Last evaluated: 2020-06-05. Review status: no assertion criteria provided. Collection method: clinical testing. Allele origin: germline. Not counted in ClinVar's aggregate classification.
Comment: This variant is classified as likely benign based on ACMG/AMP sequence variant interpretation guidelines (Richards et al. 2015 PMID: 25741868, with internal and published modifications).

Natera, Inc.
Classification: Benign for Choreaacanthocytosis. Last evaluated: 2020-01-13. Review status: no assertion criteria provided. Collection method: clinical testing. Allele origin: germline. Not counted in ClinVar's aggregate classification.

Diagnostic Laboratory, Department of Genetics, University Medical Center Groningen
Classification: Likely benign for VPS13A-related neurodegenerative disease. Review status: no assertion criteria provided. Collection method: clinical testing. Allele origin: germline. Affected: yes. Study: VKGL Data-share Consensus. Not counted in ClinVar's aggregate classification.

Genome Diagnostics Laboratory, Amsterdam University Medical Center
Classification: Benign. Review status: no assertion criteria provided. Collection method: clinical testing. Allele origin: germline. Affected: yes. Study: VKGL Data-share Consensus. Not counted in ClinVar's aggregate classification.

Literature cited by the submitters: PubMed 12404112 (cited by Athena Diagnostics).

NM_033305.3(VPS13A):c.7457T>C (p.Ile2486Thr)

Gene: VPS13A (vacuolar protein sorting 13 homolog A; plus strand). Cytogenetic location: 9q21.2.
Variant type: single nucleotide variant.
Coding change: c.7457T>C on transcript NM_033305.3 (MANE Select); coding-DNA position 7457, T replaced by C.
Protein change: p.Ile2486Thr; replaces isoleucine 2486 with threonine.
Molecular consequence: missense variant.
Genome position (GRCh38, 1-based): chr9:77,353,446, T>C. VCF-style: chr9-77353446-T-C. GRCh37 (hg19) VCF-style: chr9-79968362-T-C.
Other names: c.7340T>C, p.Ile2447Thr (NM_001018037.2); c.7457T>C, p.Ile2486Thr (NM_001018038.3, NM_015186.4); short protein forms I2486T, I2447T.
Identifiers: ClinVar variation 367413 (VCV000367413.57), dbSNP rs141138349, ClinGen allele CA5093361.